The following is an entry in ClinVar:

NM_004863.4(SPTLC2):c.1306A>G (p.Lys436Glu)

Gene: SPTLC2 (serine palmitoyltransferase long chain base subunit 2; minus strand). Cytogenetic location: 14q24.3.
Variant type: single nucleotide variant.
Coding change: c.1306A>G on transcript NM_004863.4 (MANE Select); coding-DNA position 1306, A replaced by G.
Protein change: p.Lys436Glu; replaces lysine 436 with glutamic acid.
Molecular consequence: missense variant.
Genome position (GRCh38, 1-based): chr14:77,521,579, T>C on the plus strand (A>G on the coding strand, the complement: SPTLC2 is on the minus strand). VCF-style: chr14-77521579-T-C. GRCh37 (hg19) VCF-style: chr14-77987922-T-C.
Other names: short protein forms K436E.
Identifiers: ClinVar variation 3605384 (VCV003605384.2).

ClinVar aggregate classification (germline): Uncertain significance (1 of 4 stars; one submission).

Conditions:
Neuropathy, hereditary sensory and autonomic, type 1C. Also called: HSAN IC; HSN IC. Identifiers: Orphanet 36386, MedGen C3150896, MONDO:0013337, OMIM 613640.

gnomAD v4.1: 12 of 1,613,918 alleles (0.00074%); highest among the groups gnomAD compares: Non-Finnish European, 0.00068%; no homozygotes.

Submission:

Labcorp Genetics (formerly Invitae), Labcorp
Classification: Uncertain significance for Neuropathy, hereditary sensory and autonomic, type 1C. Last evaluated: 2025-05-24. Review status: criteria provided, single submitter. Criteria: Invitae Variant Classification Sherloc (09022015). Collection method: clinical testing. Allele origin: germline.
Comment: This sequence change replaces lysine, which is basic and polar, with glutamic acid, which is acidic and polar, at codon 436 of the SPTLC2 protein (p.Lys436Glu). This variant is present in population databases (rs770172257, gnomAD 0.004%). This variant has not been reported in the literature in individuals affected with SPTLC2-related conditions. ClinVar contains an entry for this variant (Variation ID: 3605384). Invitae Evidence Modeling of protein sequence and biophysical properties (such as structural, functional, and spatial information, amino acid conservation, physicochemical variation, residue mobility, and thermodynamic stability) indicates that this missense variant is not expected to disrupt SPTLC2 protein function with a negative predictive value of 95%. In summary, the available evidence is currently insufficient to determine the role of this variant in disease. Therefore, it has been classified as a Variant of Uncertain Significance.